The following is an entry in ClinVar:

NM_001321967.2(ATAD1):c.583+6C>A

Gene: ATAD1 (ATPase family AAA domain containing 1; minus strand). Cytogenetic location: 10q23.31.
Variant type: single nucleotide variant.
Coding change: c.583+6C>A on transcript NM_001321967.2 (MANE Select); 6 bases into the intron after coding-DNA position 583, C replaced by A.
Molecular consequence: intron variant.
Genome position (GRCh38, 1-based): chr10:87,784,464, G>T on the plus strand (C>A on the coding strand, the complement: ATAD1 is on the minus strand). VCF-style: chr10-87784464-G-T. GRCh37 (hg19) VCF-style: chr10-89544221-G-T.
Other names: c.583+6C>A (NM_001321968.2, NM_032810.4); c.226+6C>A (NM_001321969.2).
Identifiers: ClinVar variation 1379177 (VCV001379177.6), dbSNP rs564202859, ClinGen allele CA2573145733.

ClinVar aggregate classification (germline): Uncertain significance (1 of 4 stars; one submission).

Allele frequency attached by ClinVar (database versions not stated): gnomAD exomes below 0.00001.
gnomAD v4.1: 5 of 1,611,566 alleles (0.00031%); highest among the groups gnomAD compares: South Asian, 0.0022%; no homozygotes.

Submission:

Labcorp Genetics (formerly Invitae), Labcorp
Classification: Uncertain significance. Last evaluated: 2021-03-15. Review status: criteria provided, single submitter. Criteria: Invitae Variant Classification Sherloc (09022015). Collection method: clinical testing. Allele origin: germline.
Comment: This sequence change falls in intron 5 of the ATAD1 gene. It does not directly change the encoded amino acid sequence of the ATAD1 protein. It affects a nucleotide within the consensus splice site of the intron. This variant is not present in population databases (ExAC no frequency). This variant has not been reported in the literature in individuals with ATAD1-related conditions. Nucleotide substitutions within the consensus splice site are a relatively common cause of aberrant splicing (PMID: 17576681, 9536098). Experimental studies and prediction algorithms are not available or were not evaluated, and the effect of this variant on mRNA splicing is currently unknown. In summary, the available evidence is currently insufficient to determine the role of this variant in disease. Therefore, it has been classified as a Variant of Uncertain Significance.

Literature cited by the submitters: PubMed 17576681; PubMed 9536098.